The following is an entry in ClinVar:

ClinVar aggregate classification (germline): Likely benign. Review status: criteria provided, multiple submitters, no conflicts (2 of 4 stars). 2 submissions from 2 submitters: Likely benign (2). Last evaluated 2025-01-23.

Conditions:
Hereditary diffuse gastric adenocarcinoma (HDGC). Also called: DIFFUSE GASTRIC AND LOBULAR BREAST CANCER SYNDROME. Identifiers: Orphanet 26106, MedGen C1708349, MONDO:0007648, OMIM 137215.

Submissions (2):

Labcorp Genetics (formerly Invitae), Labcorp
Classification: Likely benign for Hereditary diffuse gastric adenocarcinoma. Last evaluated: 2025-01-23. Review status: criteria provided, single submitter. Criteria: Invitae Variant Classification Sherloc (09022015). Collection method: clinical testing. Allele origin: germline.

Myriad Genetics, Inc.
Classification: Likely benign for Hereditary diffuse gastric adenocarcinoma. Last evaluated: 2024-09-13. Review status: criteria provided, single submitter. Criteria: Myriad Autosomal Dominant, Autosomal Recessive and X-Linked Classification Criteria (2023). Collection method: clinical testing. Allele origin: unknown.
Comment: This variant is considered likely benign. This variant is intronic and is not expected to impact mRNA splicing.

NM_004360.5(CDH1):c.688-11G>T

Gene: CDH1 (cadherin 1; plus strand). Cytogenetic location: 16q22.1.
Variant type: single nucleotide variant.
Coding change: c.688-11G>T on transcript NM_004360.5 (MANE Select); 11 bases into the intron before coding-DNA position 688, G replaced by T.
Molecular consequence: intron variant.
Genome position (GRCh38, 1-based): chr16:68,810,186, G>T. VCF-style: chr16-68810186-G-T. GRCh37 (hg19) VCF-style: chr16-68844089-G-T.
Other names: c.-928-11G>T (NM_001317185.2); c.-1132-11G>T (NM_001317186.2); c.688-11G>T (NM_001317184.2).
Identifiers: ClinVar variation 1616390 (VCV001616390.9), dbSNP rs2152130974, ClinGen allele CA2573152592.